The following is an entry in ClinVar:

ClinVar aggregate classification (germline): Uncertain significance (1 of 4 stars; one submission).

gnomAD v4.1: 3 of 1,612,516 alleles (0.00019%); highest among the groups gnomAD compares: Non-Finnish European, 0.000085%; no homozygotes.

Submission:

Labcorp Genetics (formerly Invitae), Labcorp
Classification: Uncertain significance. Last evaluated: 2025-09-15. Review status: criteria provided, single submitter. Criteria: Invitae Variant Classification Sherloc (09022015). Collection method: clinical testing. Allele origin: germline.
Comment: This sequence change replaces serine, which is neutral and polar, with proline, which is neutral and non-polar, at codon 964 of the HYOU1 protein (p.Ser964Pro). This variant is not present in population databases (gnomAD no frequency). This variant has not been reported in the literature in individuals affected with HYOU1-related conditions. An algorithm developed to predict the effect of missense changes on protein structure and function outputs the following: PolyPhen-2: "Benign". The proline amino acid residue is found in multiple mammalian species, which suggests that this missense change does not adversely affect protein function. In summary, the available evidence is currently insufficient to determine the role of this variant in disease. Therefore, it has been classified as a Variant of Uncertain Significance.

NM_006389.5(HYOU1):c.2890T>C (p.Ser964Pro)

Gene: HYOU1 (hypoxia up-regulated 1; minus strand). Cytogenetic location: 11q23.3.
Variant type: single nucleotide variant.
Coding change: c.2890T>C on transcript NM_006389.5 (MANE Select); coding-DNA position 2890, T replaced by C.
Protein change: p.Ser964Pro; replaces serine 964 with proline.
Molecular consequence: missense variant.
Genome position (GRCh38, 1-based): chr11:119,045,829, A>G on the plus strand (T>C on the coding strand, the complement: HYOU1 is on the minus strand). VCF-style: chr11-119045829-A-G. GRCh37 (hg19) VCF-style: chr11-118916541-A-G.
Other names: c.2890T>C, p.Ser964Pro (NM_001130991.3); c.2893T>C, p.Ser965Pro (NM_001411041.1); short protein forms S965P, S964P.
Identifiers: ClinVar variation 4773968 (VCV004773968.1).
Genomic context (GRCh38, chr11:119,045,829, plus strand): 5'-CTCCATCCTCACCTGCTCCAGGACCTCCTAACTCCAAAGGCTCAGTGTCTCCTGGCTCGG[A>G]TCCTGCTTTGGGAAGAAACAGGTTAGTCTCCTCAGAAGGGAGGAAGAGGCTAAGGGAAGG-3'
Protein context (NP_006380.1, residues 954-974): ISEPEKVETG[Ser964Pro]EPGDTEPLEL